The following is an entry in ClinVar:

NM_020312.4(COQ9):c.364G>A (p.Ala122Thr)

Gene: COQ9 (coenzyme Q9; plus strand). Cytogenetic location: 16q21.
Variant type: single nucleotide variant.
Coding change: c.364G>A on transcript NM_020312.4 (MANE Select); coding-DNA position 364, G replaced by A.
Protein change: p.Ala122Thr; replaces alanine 122 with threonine.
Molecular consequence: missense variant.
Genome position (GRCh38, 1-based): chr16:57,452,922, G>A. VCF-style: chr16-57452922-G-A. GRCh37 (hg19) VCF-style: chr16-57486834-G-A.
Other names: c.364G>A (NM_020312.3); short protein forms A122T.
Identifiers: ClinVar variation 1381663 (VCV001381663.4), dbSNP rs1049775729, ClinGen allele CA281549954.

ClinVar aggregate classification (germline): Uncertain significance. Review status: criteria provided, multiple submitters, no conflicts (2 of 4 stars). 2 submissions from 2 submitters: Uncertain significance (2). Last evaluated 2024-06-26.

Conditions:
Inborn genetic diseases. Identifiers: MedGen C0950123, MeSH D030342.

Submissions (2):

Ambry Genetics
Classification: Uncertain significance for Inborn genetic diseases. Last evaluated: 2024-06-26. Review status: criteria provided, single submitter. Criteria: Ambry Variant Classification Scheme 2023. Collection method: clinical testing. Allele origin: germline.

Labcorp Genetics (formerly Invitae), Labcorp
Classification: Uncertain significance. Last evaluated: 2022-06-27. Review status: criteria provided, single submitter. Criteria: Invitae Variant Classification Sherloc (09022015). Collection method: clinical testing. Allele origin: germline.
Comment: This sequence change replaces alanine, which is neutral and non-polar, with threonine, which is neutral and polar, at codon 122 of the COQ9 protein (p.Ala122Thr). This variant is not present in population databases (gnomAD no frequency). This variant has not been reported in the literature in individuals affected with COQ9-related conditions. Algorithms developed to predict the effect of missense changes on protein structure and function are either unavailable or do not agree on the potential impact of this missense change (SIFT: "Tolerated"; PolyPhen-2: "Possibly Damaging"; Align-GVGD: "Class C0"). In summary, the available evidence is currently insufficient to determine the role of this variant in disease. Therefore, it has been classified as a Variant of Uncertain Significance.